The following is an entry in ClinVar:

ClinVar aggregate classification (germline): Uncertain significance (1 of 4 stars; one submission).

Allele frequency attached by ClinVar (database versions not stated): TOPMed below 0.00001; gnomAD 0.00001.

Submission:

Labcorp Genetics (formerly Invitae), Labcorp
Classification: Uncertain significance. Last evaluated: 2023-10-13. Review status: criteria provided, single submitter. Criteria: Invitae Variant Classification Sherloc (09022015). Collection method: clinical testing. Allele origin: germline.
Comment: This sequence change replaces alanine, which is neutral and non-polar, with threonine, which is neutral and polar, at codon 1592 of the TUBGCP6 protein (p.Ala1592Thr). This variant is not present in population databases (gnomAD no frequency). This variant has not been reported in the literature in individuals affected with TUBGCP6-related conditions. ClinVar contains an entry for this variant (Variation ID: 1977379). Algorithms developed to predict the effect of missense changes on protein structure and function output the following: SIFT: "Not Available"; PolyPhen-2: "Benign"; Align-GVGD: "Not Available". The threonine amino acid residue is found in multiple mammalian species, which suggests that this missense change does not adversely affect protein function. In summary, the available evidence is currently insufficient to determine the role of this variant in disease. Therefore, it has been classified as a Variant of Uncertain Significance.

NM_020461.4(TUBGCP6):c.4774G>A (p.Ala1592Thr)

Gene: TUBGCP6 (tubulin gamma complex component 6; minus strand). Cytogenetic location: 22q13.33.
Variant type: single nucleotide variant.
Coding change: c.4774G>A on transcript NM_020461.4 (MANE Select); coding-DNA position 4774, G replaced by A.
Protein change: p.Ala1592Thr; replaces alanine 1592 with threonine.
Molecular consequence: missense variant.
Genome position (GRCh38, 1-based): chr22:50,218,750, C>T on the plus strand (G>A on the coding strand, the complement: TUBGCP6 is on the minus strand). VCF-style: chr22-50218750-C-T. GRCh37 (hg19) VCF-style: chr22-50657179-C-T.
Other names: short protein forms A1592T.
Identifiers: ClinVar variation 1977379 (VCV001977379.5), dbSNP rs1392821357, ClinGen allele CA412168224.
Genomic context (GRCh38, chr22:50,218,750, plus strand): 5'-GGCTGCTGCTGACCTTGTACCTGAGCTCCAGGCAGCTCAGCACATCCGGGGCGTTGGGGG[C>T]AAACACCTCGGGCAGGTACTTGAGAGCGAGGGAGAGGTTGGAGGCGTGCGGGGTGTCCCC-3'
Protein context (NP_065194.3, residues 1582-1602): LALKYLPEVF[Ala1592Thr]PNAPDVLSCL